The following is an entry in ClinVar:

ClinVar aggregate classification (germline): Uncertain significance (1 of 4 stars; one submission).

Conditions:
Familial cancer of breast. Also called: BREAST CANCER, FAMILIAL; hereditary breast carcinoma; Hereditary breast cancer. Identifiers: Orphanet 227535, MedGen C0346153, MONDO:0016419, OMIM 114480. Disease mechanism: loss of function.

Submission:

Labcorp Genetics (formerly Invitae), Labcorp
Classification: Uncertain significance for Familial cancer of breast. Last evaluated: 2022-10-10. Review status: criteria provided, single submitter. Criteria: Invitae Variant Classification Sherloc (09022015). Collection method: clinical testing. Allele origin: germline.
Comment: This sequence change replaces glutamine, which is neutral and polar, with glutamic acid, which is acidic and polar, at codon 735 of the BARD1 protein (p.Gln735Glu). This variant is not present in population databases (gnomAD no frequency). This variant has not been reported in the literature in individuals affected with BARD1-related conditions. Algorithms developed to predict the effect of missense changes on protein structure and function (SIFT, PolyPhen-2, Align-GVGD) all suggest that this variant is likely to be disruptive. In summary, the available evidence is currently insufficient to determine the role of this variant in disease. Therefore, it has been classified as a Variant of Uncertain Significance.

NM_000465.4(BARD1):c.2203C>G (p.Gln735Glu)

Gene: BARD1 (BRCA1 associated RING domain 1; minus strand). Cytogenetic location: 2q35.
Variant type: single nucleotide variant.
Coding change: c.2203C>G on transcript NM_000465.4 (MANE Select); coding-DNA position 2203, C replaced by G.
Protein change: p.Gln735Glu; replaces glutamine 735 with glutamic acid.
Molecular consequence: missense variant. On other transcripts: non-coding transcript variant (3).
Genome position (GRCh38, 1-based): chr2:214,728,807, G>C on the plus strand (C>G on the coding strand, the complement: BARD1 is on the minus strand). VCF-style: chr2-214728807-G-C. GRCh37 (hg19) VCF-style: chr2-215593531-G-C.
Other names: c.2146C>G, p.Gln716Glu (NM_001282543.2); c.850C>G, p.Gln284Glu (NM_001282545.2); c.793C>G, p.Gln265Glu (NM_001282548.2); c.664C>G, p.Gln222Glu (NM_001282549.2); short protein forms Q222E, Q265E, Q284E, Q716E, Q735E.
Identifiers: ClinVar variation 1721377 (VCV001721377.3), dbSNP rs767395666, ClinGen allele CA350450240.